The following is an entry in ClinVar:

ClinVar aggregate classification (germline): Likely benign (0 of 4 stars; one submission).

Conditions:
ABCB1-related disorder. Also called: ABCB1-related condition.

Allele frequency attached by ClinVar (database versions not stated): gnomAD exomes 0.00169; ExAC 0.00615; gnomAD 0.01827; 1000 Genomes Project 30x 0.01936; 1000 Genomes Project 0.01977; TOPMed 0.02052; ESP Exome Variant Server 0.02091.
gnomAD v4.1: 5,356 of 1,614,076 alleles (0.33%); highest among the groups gnomAD compares: African/African-American, 6.3%; 155 homozygotes.

Submissions (8):

PreventionGenetics, part of Exact Sciences
Classification: Likely benign for ABCB1-related condition. Last evaluated: 2020-02-24. Review status: no assertion criteria provided. Collection method: clinical testing. Allele origin: germline.
Comment: This variant is classified as likely benign based on ACMG/AMP sequence variant interpretation guidelines (Richards et al. 2015 PMID: 25741868, with internal and published modifications).

Dr. Peter K. Rogan Lab, Western University
No classification provided (evidence only). Condition: Melanoma. Review status: no classification provided. Collection method: in vitro. Allele origin: not applicable. Functional consequence: retained intron. Not counted in ClinVar's aggregate classification.

Dr. Peter K. Rogan Lab, Western University
No classification provided (evidence only). Condition: Colon adenocarcinoma. Review status: no classification provided. Collection method: in vitro. Allele origin: not applicable. Functional consequence: retained intron. Not counted in ClinVar's aggregate classification.

Dr. Peter K. Rogan Lab, Western University
No classification provided (evidence only). Condition: Uterine corpus endometrial carcinoma. Review status: no classification provided. Collection method: in vitro. Allele origin: not applicable. Functional consequence: retained intron. Not counted in ClinVar's aggregate classification.

Dr. Peter K. Rogan Lab, Western University
No classification provided (evidence only). Condition: Uterine corpus endometrial carcinoma. Review status: no classification provided. Collection method: in vitro. Allele origin: not applicable. Functional consequence: retained intron. Not counted in ClinVar's aggregate classification.

Dr. Peter K. Rogan Lab, Western University
No classification provided (evidence only). Condition: Sarcoma. Review status: no classification provided. Collection method: in vitro. Allele origin: not applicable. Functional consequence: retained intron. Not counted in ClinVar's aggregate classification.

Dr. Peter K. Rogan Lab, Western University
No classification provided (evidence only). Condition: Gastric cancer. Review status: no classification provided. Collection method: in vitro. Allele origin: not applicable. Functional consequence: retained intron. Not counted in ClinVar's aggregate classification.

Dr. Peter K. Rogan Lab, Western University
No classification provided (evidence only). Condition: Malignant tumor of esophagus. Review status: no classification provided. Collection method: in vitro. Allele origin: not applicable. Functional consequence: retained intron. Not counted in ClinVar's aggregate classification.

NM_001348946.2(ABCB1):c.3421T>A (p.Ser1141Thr)

Gene: ABCB1 (ATP binding cassette subfamily B member 1; minus strand). Cytogenetic location: 7q21.12.
Variant type: single nucleotide variant.
Coding change: c.3421T>A on transcript NM_001348946.2 (MANE Select); coding-DNA position 3421, T replaced by A.
Protein change: p.Ser1141Thr; replaces serine 1141 with threonine.
Molecular consequence: missense variant.
Genome position (GRCh38, 1-based): chr7:87,509,343, A>T on the plus strand (T>A on the coding strand, the complement: ABCB1 is on the minus strand). VCF-style: chr7-87509343-A-T. GRCh37 (hg19) VCF-style: chr7-87138659-A-T.
Other names: NC_000007.13:g.87138659A>T; c.3421T>A, p.Ser1141Thr (NM_000927.5, NM_001348944.2); c.3631T>A, p.Ser1211Thr (NM_001348945.2); short protein forms S1141T, S1211T.
Identifiers: ClinVar variation 3038471 (VCV003038471.3), dbSNP rs2229107, ClinGen allele CA4327770.